The following is an entry in ClinVar:

NM_138691.3(TMC1):c.724G>A (p.Val242Met)

Gene: TMC1 (transmembrane channel like 1; plus strand). Cytogenetic location: 9q21.13.
Variant type: single nucleotide variant.
Coding change: c.724G>A on transcript NM_138691.3 (MANE Select); coding-DNA position 724, G replaced by A.
Protein change: p.Val242Met; replaces valine 242 with methionine.
Molecular consequence: missense variant.
Genome position (GRCh38, 1-based): chr9:72,754,867, G>A. VCF-style: chr9-72754867-G-A. GRCh37 (hg19) VCF-style: chr9-75369783-G-A.
Other names: short protein forms V242M.
Identifiers: ClinVar variation 3344191 (VCV003344191.1).
Genomic context (GRCh38, chr9:72,754,867, plus strand): 5'-GGCAGTTTACCTAGGAAAACCGTTCCCAGAGCCGAAGAGGCATCGGCAGCAAACTTTGGT[G>A]TGTTGTACGACTTCAATGTAAGTGTCTCCACACAAGTGTATTGGTGGGAGGATGGATTTT-3'
Protein context (NP_619636.2, residues 232-252): AEEASAANFG[Val242Met]LYDFNGLAQY

ClinVar aggregate classification (germline): Uncertain significance (0 of 4 stars; one submission).

Conditions:
TMC1-related disorder. Also called: TMC1-related condition; TMC1-related disorders.

gnomAD v4.1: 13 of 1,613,916 alleles (0.00081%); highest among the groups gnomAD compares: Non-Finnish European, 0.0011%; no homozygotes.

Submission:

PreventionGenetics, part of Exact Sciences
Classification: Uncertain significance for TMC1-related condition. Last evaluated: 2024-05-07. Review status: no assertion criteria provided. Collection method: clinical testing. Allele origin: germline.
Comment: The TMC1 c.724G>A variant is predicted to result in the amino acid substitution p.Val242Met. To our knowledge, this variant has not been reported in the literature or in a large population database, indicating this variant is rare. At this time, the clinical significance of this variant is uncertain due to the absence of conclusive functional and genetic evidence.